The following is an entry in ClinVar:

NM_004208.4(AIFM1):c.460G>A (p.Asp154Asn)

Genes: RAB33A (RAB33A, member RAS oncogene family; plus strand), AIFM1 (apoptosis inducing factor mitochondria associated 1; minus strand). Cytogenetic location: Xq26.1.
Variant type: single nucleotide variant.
Coding change: c.460G>A on transcript NM_004208.4 (MANE Select); coding-DNA position 460, G replaced by A.
Protein change: p.Asp154Asn; replaces aspartic acid 154 with asparagine.
Molecular consequence: missense variant. On other transcripts: non-coding transcript variant (1).
Genome position (GRCh38, 1-based): chrX:130,147,766, C>T on the plus strand (G>A on the coding strand, the complement: AIFM1 is on the minus strand). VCF-style: chrX-130147766-C-T. GRCh37 (hg19) VCF-style: chrX-129281741-C-T.
Other names: c.460G>A, p.Asp154Asn (NM_001130847.4); c.448G>A, p.Asp150Asn (NM_145812.3); short protein forms D150N, D154N.
Identifiers: ClinVar variation 1312954 (VCV001312954.4), dbSNP rs999882329, ClinGen allele CA335123022.

ClinVar aggregate classification (germline): Uncertain significance (1 of 4 stars; one submission).

Conditions:
Severe X-linked mitochondrial encephalomyopathy. Also called: ENCEPHALOMYOPATHY, MITOCHONDRIAL, X-LINKED. Identifiers: Orphanet 238329, MedGen C3151753, MONDO:0010437, OMIM 300816.
Charcot-Marie-Tooth disease X-linked recessive 4 (CMTX4). Also called: Cowchock syndrome; CHARCOT-MARIE-TOOTH DISEASE, X-LINKED RECESSIVE, 4, WITH OR WITHOUT CEREBELLAR ATAXIA; CHARCOT-MARIE-TOOTH DISEASE WITH DEAFNESS AND MENTAL RETARDATION. Identifiers: Orphanet 101078, MedGen C0795910, MONDO:0010689, OMIM 310490.

Submission:

GeneDx
Classification: Uncertain significance. Last evaluated: 2020-02-05. Review status: criteria provided, single submitter. Criteria: GeneDx Variant Classification Process June 2021. Collection method: clinical testing. Allele origin: germline. Affected: yes.
Comment: Not observed in large population cohorts (Lek et al., 2016); In silico analysis supports that this missense variant has a deleterious effect on protein structure/function; Has not been previously published as pathogenic or benign to our knowledge